The following is an entry in ClinVar:

ClinVar aggregate classification (germline): Pathogenic/Likely pathogenic. Review status: criteria provided, multiple submitters, no conflicts (2 of 4 stars). 3 submissions from 3 submitters: Pathogenic (1); Likely pathogenic (1). 1 of the submissions does not count toward it. Last evaluated 2025-11-26.

Conditions:
Pyridoxal phosphate-responsive seizures (PNPOD). Also called: Pyridoxine-5'-phosphate oxidase deficiency; Pyridoxal 5'-Phosphate (PLP)-Dependent Epilepsy; SEIZURES, PYRIDOXINE-RESISTANT, PLP-SENSITIVE; EPILEPTIC ENCEPHALOPATHY, NEONATAL, PNPO-RELATED; Pyridoxamine 5-Prime-Phosphate Oxidase Deficiency. Identifiers: Orphanet 79096, MedGen C1864723, MONDO:0012407, OMIM 610090. Disease mechanism: loss of function.

Allele frequency attached by ClinVar (database versions not stated): gnomAD exomes below 0.00001 and 0.00001; gnomAD 0.00001 and 0.00002; TOPMed 0.00001; 1000 Genomes Project 0.00020; 1000 Genomes Project 30x 0.00031.
gnomAD v4.1: 11 of 1,614,166 alleles (0.00068%); highest among the groups gnomAD compares: East Asian, 0.0045%; no homozygotes.

Submissions (3):

GeneDx
Classification: Pathogenic. Last evaluated: 2025-11-26. Review status: criteria provided, single submitter. Criteria: GeneDx Variant Classification Process June 2021. Collection method: clinical testing. Allele origin: germline. Affected: yes.
Comment: In silico analysis supports that this missense variant has a deleterious effect on protein structure/function; Not observed at significant frequency in large population cohorts (gnomAD); Published functional studies demonstrate a damaging effect on enzymatic efficiency (Mills et al., 2005; Musayev et al., 2009; Mills et al., 2014); This variant is associated with the following publications: (PMID: 31589614, 15772097, 30671974, 25546381, 23500531, 33421502, 32888189, 19759001, 27419045, 32788630, 28133863, 23708187, 25762494, 24266778, 18485777, 26535729, 34769443, 28985901, 24645144)

Labcorp Genetics (formerly Invitae), Labcorp
Classification: Likely pathogenic for Pyridoxal phosphate-responsive seizures. Last evaluated: 2023-03-14. Review status: criteria provided, single submitter. Criteria: Invitae Variant Classification Sherloc (09022015). Collection method: clinical testing. Allele origin: germline.
Comment: In summary, the currently available evidence indicates that the variant is pathogenic, but additional data are needed to prove that conclusively. Therefore, this variant has been classified as Likely Pathogenic. This variant disrupts the p.Arg229 amino acid residue in PNPO. Other variant(s) that disrupt this residue have been determined to be pathogenic (PMID: 23708187, 24266778, 28133863, 28985901). This suggests that this residue is clinically significant, and that variants that disrupt this residue are likely to be disease-causing. Experimental studies have shown that this missense change affects PNPO function (PMID: 15772097, 19759001, 24645144, 27419045). Advanced modeling of protein sequence and biophysical properties (such as structural, functional, and spatial information, amino acid conservation, physicochemical variation, residue mobility, and thermodynamic stability) performed at Invitae indicates that this missense variant is expected to disrupt PNPO protein function. ClinVar contains an entry for this variant (Variation ID: 6523). This missense change has been observed in individual(s) with epileptic encephalopathy (PMID: 15772097). This variant is present in population databases (rs104894629, gnomAD 0.004%). This sequence change replaces arginine, which is basic and polar, with tryptophan, which is neutral and slightly polar, at codon 229 of the PNPO protein (p.Arg229Trp).

OMIM
Classification: Pathogenic for PYRIDOXAMINE 5-PRIME-PHOSPHATE OXIDASE DEFICIENCY. Last evaluated: 2005-04-15. Review status: no assertion criteria provided. Collection method: literature only. Allele origin: germline. Not counted in ClinVar's aggregate classification.

Literature cited by the submitters: PubMed 23708187 (cited by Labcorp Genetics (formerly Invitae), Labcorp); PubMed 24266778 (cited by Labcorp Genetics (formerly Invitae), Labcorp); PubMed 28133863 (cited by Labcorp Genetics (formerly Invitae), Labcorp); PubMed 28985901 (cited by Labcorp Genetics (formerly Invitae), Labcorp); PubMed 15772097 (cited by Labcorp Genetics (formerly Invitae), Labcorp and OMIM); PubMed 19759001 (cited by Labcorp Genetics (formerly Invitae), Labcorp); PubMed 24645144 (cited by Labcorp Genetics (formerly Invitae), Labcorp); PubMed 27419045 (cited by Labcorp Genetics (formerly Invitae), Labcorp); Brautigam, C., Hyland, K., Wevers, R., Sharma, R., Wagner, L., Stock, G.-J., Heitmann, F., Hoffmann, G. F. Clinical and laboratory findings in twins with neonatal epileptic encephalopathy mimicking aromatic L-amino acid decarboxylase deficiency. Neuropediatrics 33: 113-117, 2002. (cited by OMIM).

NM_018129.4(PNPO):c.685C>T (p.Arg229Trp)

Gene: PNPO (pyridoxamine 5'-phosphate oxidase; plus strand). Cytogenetic location: 17q21.32.
Variant type: single nucleotide variant.
Coding change: c.685C>T on transcript NM_018129.4 (MANE Select); coding-DNA position 685, C replaced by T.
Protein change: p.Arg229Trp; replaces arginine 229 with tryptophan.
Molecular consequence: missense variant.
Genome position (GRCh38, 1-based): chr17:47,946,681, C>T. VCF-style: chr17-47946681-C-T. GRCh37 (hg19) VCF-style: chr17-46024047-C-T.
Other names: c.685C>T (NM_018129.3); short protein forms R229W.
Identifiers: ClinVar variation 6523 (VCV000006523.10), dbSNP rs104894629, ClinGen allele CA118329.